The following is an entry in ClinVar:

NM_001130987.2(DYSF):c.5318-3C>T

Gene: DYSF (dysferlin; plus strand). Cytogenetic location: 2p13.2.
Variant type: single nucleotide variant.
Coding change: c.5318-3C>T on transcript NM_001130987.2 (MANE Select); 3 bases into the intron before coding-DNA position 5318, C replaced by T.
Molecular consequence: intron variant.
Genome position (GRCh38, 1-based): chr2:71,667,373, C>T. VCF-style: chr2-71667373-C-T. GRCh37 (hg19) VCF-style: chr2-71894503-C-T.
Other names: c.5294-3C>T (NM_001130979.2); c.5315-3C>T (NM_001130981.2); c.5252-3C>T (NM_001130980.2); c.5264-3C>T (NM_001130978.2); c.5201-3C>T (NM_003494.4); c.5222-3C>T (NM_001130977.2); c.5159-3C>T (NM_001130976.2); c.5297-3C>T (NM_001130982.2); and 5 more.
Identifiers: ClinVar variation 1491924 (VCV001491924.1), dbSNP rs2152953913, ClinGen allele CA2573135967.

ClinVar aggregate classification (germline): Uncertain significance (1 of 4 stars; one submission).

Conditions:
Neuromuscular disease caused by qualitative or quantitative defects of dysferlin. Also called: Dysferlinopathy; Qualitative or quantitative defects of dysferlin. Identifiers: Orphanet 207073, MedGen C2931687, MONDO:0016145.

Submission:

Labcorp Genetics (formerly Invitae), Labcorp
Classification: Uncertain significance for Neuromuscular disease caused by qualitative or quantitative defects of dysferlin. Last evaluated: 2020-12-07. Review status: criteria provided, single submitter. Criteria: Invitae Variant Classification Sherloc (09022015). Collection method: clinical testing. Allele origin: germline.
Comment: This sequence change falls in intron 46 of the DYSF gene. It does not directly change the encoded amino acid sequence of the DYSF protein. It affects a nucleotide within the consensus splice site of the intron. This variant is not present in population databases (ExAC no frequency). This variant has not been reported in the literature in individuals with DYSF-related conditions. Nucleotide substitutions within the consensus splice site are a relatively common cause of aberrant splicing (PMID: 17576681, 9536098). Algorithms developed to predict the effect of sequence changes on RNA splicing suggest that this variant is not likely to affect RNA splicing, but this prediction has not been confirmed by published transcriptional studies. In summary, the available evidence is currently insufficient to determine the role of this variant in disease. Therefore, it has been classified as a Variant of Uncertain Significance.

Literature cited by the submitters: PubMed 17576681; PubMed 9536098.